The following is an entry in ClinVar:

ClinVar aggregate classification (germline): Uncertain significance (1 of 4 stars; one submission).

Submission:

Labcorp Genetics (formerly Invitae), Labcorp
Classification: Uncertain significance. Last evaluated: 2022-11-15. Review status: criteria provided, single submitter. Criteria: Invitae Variant Classification Sherloc (09022015). Collection method: clinical testing. Allele origin: germline.
Comment: This variant has not been reported in the literature in individuals affected with ARMC9-related conditions. In summary, the available evidence is currently insufficient to determine the role of this variant in disease. Therefore, it has been classified as a Variant of Uncertain Significance. Experimental studies and prediction algorithms are not available or were not evaluated, and the functional significance of this variant is currently unknown. ClinVar contains an entry for this variant (Variation ID: 1347128). This variant is not present in population databases (gnomAD no frequency). This sequence change replaces arginine, which is basic and polar, with lysine, which is basic and polar, at codon 635 of the ARMC9 protein (p.Arg635Lys).

NM_001352754.2(ARMC9):c.1904G>A (p.Arg635Lys)

Gene: ARMC9 (armadillo repeat containing 9; plus strand). Cytogenetic location: 2q37.1.
Variant type: single nucleotide variant.
Coding change: c.1904G>A on transcript NM_001352754.2 (MANE Select); coding-DNA position 1904, G replaced by A.
Protein change: p.Arg635Lys; replaces arginine 635 with lysine.
Molecular consequence: missense variant. On other transcripts: non-coding transcript variant (1).
Genome position (GRCh38, 1-based): chr2:231,345,000, G>A. VCF-style: chr2-231345000-G-A. GRCh37 (hg19) VCF-style: chr2-232209712-G-A.
Other names: c.1904G>A, p.Arg635Lys (NM_001271466.4, NM_001291656.2, NM_001352755.2 and 2 more transcripts); c.1805G>A, p.Arg602Lys (NM_001352757.2, NM_001352758.2); c.1799G>A, p.Arg600Lys (NM_001352759.2); short protein forms R600K, R635K, R602K.
Identifiers: ClinVar variation 1347128 (VCV001347128.8), dbSNP rs2125583660, ClinGen allele CA350956973.
Genomic context (GRCh38, chr2:231,345,000, plus strand): 5'-TTTCTCCAGCCCTTTTTTCTCTTTCCTTCCACCAGATCATGACCAACACGGGGAAGACAA[G>A]GCGGAAGGGGCTGGCTAATGTGCAGTGGAGCGGGGATGAGCCCCTGCAAAGGCCCGTCAC-3'
Protein context (NP_001339683.2, residues 625-645): LGIMTNTGKT[Arg635Lys]RKGLANVQWS